The following is an entry in ClinVar:

NM_001903.5(CTNNA1):c.1900-12_1900-9del

Gene: CTNNA1 (catenin alpha 1; plus strand). Cytogenetic location: 5q31.2.
Variant type: Deletion.
Coding change: c.1900-12_1900-9del on transcript NM_001903.5 (MANE Select); 12 bases into the intron before coding-DNA position 1900 through 9 bases into the intron before coding-DNA position 1900, 4 bases deleted (TCTG; older notation c.1900-12_1900-9delTCTG).
Molecular consequence: intron variant.
Genome position (GRCh38, 1-based): chr5:138,929,234-138,929,237, TCTG deleted; deleting any 4 consecutive bases within chr5:138,929,232-138,929,237 gives the same sequence; the c. name uses the placement nearest the transcript's 3' end. VCF-style (leftmost placement, unchanged base first): chr5-138929231-TTGTC-T. GRCh37 (hg19) VCF-style: chr5-138264920-TTGTC-T.
Other names: c.1900-12_1900-9del (NM_001323982.2, NM_001323984.2, NM_001290307.3 and 2 more transcripts); c.1807-12_1807-9del (NM_001323986.2); c.1531-12_1531-9del (NM_001290310.3); c.1591-12_1591-9del (NM_001290309.3); c.790-12_790-9del (NM_001323996.1, NM_001323993.1, NM_001324005.1 and 17 more transcripts); c.451-12_451-9del (NM_001324007.1, NM_001324009.1, NM_001324006.1 and 2 more transcripts); c.547-12_547-9del (NM_001324013.1, NM_001324012.1); c.697-12_697-9del (NM_001324011.1).
Identifiers: ClinVar variation 1636809 (VCV001636809.9), dbSNP rs754625352, ClinGen allele CA3432065.
Genomic context (GRCh38, chr5:138,929,231, plus strand): 5'-GCCAAGAGGCTCAGGGTGGCTGGGGGCTGGTGGCCCAGAGATGTGTCTGACCTGTGATCT[TTGTC>T]TGGGTGGCAGACCCCTGAGGAGTTGGATGACTCTGACTTTGAGACAGAAGATTTTGATGT-3'

ClinVar aggregate classification (germline): Likely benign. Review status: criteria provided, multiple submitters, no conflicts (2 of 4 stars). 2 submissions from 2 submitters: Likely benign (2). Last evaluated 2026-01-13.

Conditions:
Hereditary diffuse gastric adenocarcinoma (HDGC). Also called: DIFFUSE GASTRIC AND LOBULAR BREAST CANCER SYNDROME. Identifiers: Orphanet 26106, MedGen C1708349, MONDO:0007648, OMIM 137215.

Submissions (2):

Labcorp Genetics (formerly Invitae), Labcorp
Classification: Likely benign. Last evaluated: 2026-01-13. Review status: criteria provided, single submitter. Criteria: Invitae Variant Classification Sherloc (09022015). Collection method: clinical testing. Allele origin: germline.

Myriad Genetics, Inc.
Classification: Likely benign for Hereditary diffuse gastric adenocarcinoma. Last evaluated: 2024-10-14. Review status: criteria provided, single submitter. Criteria: Myriad Autosomal Dominant, Autosomal Recessive and X-Linked Classification Criteria (2023). Collection method: clinical testing. Allele origin: unknown.
Comment: This variant is considered likely benign. This variant is intronic and is not expected to impact mRNA splicing.